The following is an entry in ClinVar:

ClinVar aggregate classification (germline): Uncertain significance (1 of 4 stars; one submission).

Conditions:
Tumor predisposition syndrome 3 (TPDS3). Also called: Melanoma, cutaneous malignant, susceptibility to, 10; Glioma susceptibility 9; LONG TELOMERE SYNDROME, POT1-RELATED; POT1 Tumor Predisposition. Identifiers: Orphanet 618, MedGen C4014476, MONDO:0014368, OMIM 615848.

Allele frequency attached by ClinVar (database versions not stated): gnomAD exomes below 0.00001.
gnomAD v4.1: 1 of 1,613,830 alleles (0.000062%); highest among the groups gnomAD compares: Admixed American, 0.0017%; no homozygotes.

Submission:

Labcorp Genetics (formerly Invitae), Labcorp
Classification: Uncertain significance for Tumor predisposition syndrome 3. Last evaluated: 2022-03-05. Review status: criteria provided, single submitter. Criteria: Invitae Variant Classification Sherloc (09022015). Collection method: clinical testing. Allele origin: germline.
Comment: In summary, the available evidence is currently insufficient to determine the role of this variant in disease. Therefore, it has been classified as a Variant of Uncertain Significance. Algorithms developed to predict the effect of missense changes on protein structure and function are either unavailable or do not agree on the potential impact of this missense change (SIFT: "Deleterious"; PolyPhen-2: "Benign"; Align-GVGD: "Class C0"). ClinVar contains an entry for this variant (Variation ID: 1063405). This variant has not been reported in the literature in individuals affected with POT1-related conditions. This variant is not present in population databases (gnomAD no frequency). This sequence change replaces serine, which is neutral and polar, with phenylalanine, which is neutral and non-polar, at codon 103 of the POT1 protein (p.Ser103Phe).

NM_015450.3(POT1):c.308C>T (p.Ser103Phe)

Gene: POT1 (protection of telomeres 1; minus strand). Cytogenetic location: 7q31.33.
Variant type: single nucleotide variant.
Coding change: c.308C>T on transcript NM_015450.3 (MANE Select); coding-DNA position 308, C replaced by T.
Protein change: p.Ser103Phe; replaces serine 103 with phenylalanine.
Molecular consequence: missense variant. On other transcripts: 5 prime UTR variant (1), non-coding transcript variant (3).
Genome position (GRCh38, 1-based): chr7:124,863,588, G>A on the plus strand (C>T on the coding strand, the complement: POT1 is on the minus strand). VCF-style: chr7-124863588-G-A. GRCh37 (hg19) VCF-style: chr7-124503642-G-A.
Other names: c.-86C>T (NM_001042594.2); short protein forms S103F.
Identifiers: ClinVar variation 1063405 (VCV001063405.9), dbSNP rs2116542498, ClinGen allele CA369060258.
Genomic context (GRCh38, chr7:124,863,588, plus strand): 5'-AAATACTTGCTTGAAGTGCGAGGTATGATAGGGGCTCCCAAAGTTCCCTCAAACGTCAAA[G>A]ATGCAAAGCCAGAGCTGGTGATACCCTGAGTCTCCTTTTTATATACTTGAATCTAAGAAA-3'
Protein context (NP_056265.2, residues 93-113): TQGITSSGFA[Ser103Phe]LTFEGTLGAP